The following is an entry in ClinVar:

NM_182493.3(MYLK3):c.1685A>G (p.Asn562Ser)

Gene: MYLK3 (myosin light chain kinase 3; minus strand). Cytogenetic location: 16q11.2.
Variant type: single nucleotide variant.
Coding change: c.1685A>G on transcript NM_182493.3 (MANE Select); coding-DNA position 1685, A replaced by G.
Protein change: p.Asn562Ser; replaces asparagine 562 with serine.
Molecular consequence: missense variant.
Genome position (GRCh38, 1-based): chr16:46,729,111, T>C on the plus strand (A>G on the coding strand, the complement: MYLK3 is on the minus strand). VCF-style: chr16-46729111-T-C. GRCh37 (hg19) VCF-style: chr16-46763023-T-C.
Other names: c.662A>G, p.Asn221Ser (NM_001308301.1); short protein forms N221S, N562S.
Identifiers: ClinVar variation 2028940 (VCV002028940.4), dbSNP rs1291454243, ClinGen allele CA395790374.

ClinVar aggregate classification (germline): Uncertain significance (1 of 4 stars; one submission).

Allele frequency attached by ClinVar (database versions not stated): gnomAD exomes below 0.00001; gnomAD 0.00001.

Submission:

Labcorp Genetics (formerly Invitae), Labcorp
Classification: Uncertain significance. Last evaluated: 2022-08-09. Review status: criteria provided, single submitter. Criteria: Invitae Variant Classification Sherloc (09022015). Collection method: clinical testing. Allele origin: germline.
Comment: This sequence change replaces asparagine, which is neutral and polar, with serine, which is neutral and polar, at codon 562 of the MYLK3 protein (p.Asn562Ser). This variant is present in population databases (no rsID available, gnomAD 0.003%). This variant has not been reported in the literature in individuals affected with MYLK3-related conditions. Algorithms developed to predict the effect of missense changes on protein structure and function output the following: SIFT: "Tolerated"; PolyPhen-2: "Benign"; Align-GVGD: "Class C0". The serine amino acid residue is found in multiple mammalian species, which suggests that this missense change does not adversely affect protein function. In summary, the available evidence is currently insufficient to determine the role of this variant in disease. Therefore, it has been classified as a Variant of Uncertain Significance.